The following is an entry in ClinVar:

ClinVar aggregate classification (germline): Conflicting classifications of pathogenicity. Review status: criteria provided, conflicting classifications (1 of 4 stars). 15 submissions from 15 submitters: Uncertain significance (12); Likely benign (2). 1 of the submissions does not count toward it. Last evaluated 2026-02-20.

Conditions:
Inherited breast cancer and ovarian cancer.
Breast-ovarian cancer, familial, susceptibility to, 5 (BROVCA5). Identifiers: MedGen C5830615, MONDO:0957530, OMIM 620442.
Familial ovarian cancer. Identifiers: MedGen C5679802, MONDO:0016248.
Breast and/or ovarian cancer. Identifiers: MedGen CN221562.
Hereditary cancer-predisposing syndrome. Also called: Neoplastic Syndromes, Hereditary; Tumor predisposition; Hereditary neoplastic syndrome; Hereditary Cancer Syndrome. Identifiers: Orphanet 140162, MedGen C0027672, MeSH D009386, MONDO:0015356.
Familial cancer of breast. Also called: hereditary breast carcinoma; Hereditary breast cancer; BREAST CANCER, FAMILIAL. Identifiers: Orphanet 227535, MedGen C0346153, MONDO:0016419, OMIM 114480. Disease mechanism: loss of function.

Allele frequency attached by ClinVar (database versions not stated): ExAC 0.00001; TOPMed 0.00001; gnomAD exomes 0.00002; gnomAD 0.00003; ESP Exome Variant Server 0.00008.
gnomAD v4.1: 100 of 1,613,936 alleles (0.0062%); highest among the groups gnomAD compares: Non-Finnish European, 0.0083%; no homozygotes.

Submissions (15):

St. Jude Molecular Pathology, St. Jude Children's Research Hospital
Classification: Uncertain significance for Familial cancer of breast. Last evaluated: 2026-02-20. Review status: criteria provided, single submitter. Criteria: St. Jude Assertion Criteria 2020. Collection method: clinical testing. Allele origin: germline.
Comment: The PALB2 c.1189A>T p.(Thr397Ser) missense change has a maximum subpopulation frequency of 0.0039% in gnomAD v2.1.1. This variant has been reported in individuals with breast (PMID: 17200668, 26283626), pancreatic (PMID: 26483394), and ovarian cancers (PMID: 32546565), as well as in control individuals (PMID: 17200668, 26283626). It is reported to be in one woman older than 70 years of age without cancer (FLOSSIE S database). A functional study demonstrates that this variant has homology directed repair activity similar to wild-type (PMID: 31636395). In summary, the evidence currently available is insufficient to determine the clinical sig nificance of this variant. It has therefore been classified as of uncertain significance.

Color Diagnostics, LLC DBA Color Health
Classification: Uncertain significance for Hereditary cancer-predisposing syndrome. Last evaluated: 2025-12-16. Review status: criteria provided, single submitter. Criteria: ACMG Guidelines, 2015. Collection method: clinical testing. Allele origin: germline.
Comment: This missense variant replaces threonine with serine at codon 397 of the PALB2 protein. Computational prediction suggests that this variant may not impact protein structure and function. A functional study has shown that this variant does not affect homology-directed repair activity of the PALB2 protein (PMID: 31636395). This variant has been reported in multiple breast cancer case-control studies in both affected and unaffected control individuals (PMID: 17200668, 26283626, 28779002). A breast cancer case-control meta-analysis has detected this variant in 8/60466 cases and 5/53461 unaffected individuals with a calculated OR = 1.415 (95% CI 0.463 to 4.325) and a p-value = 0.59 (PMID: 33471991Leiden Open Variation Database DB-ID PALB2_010710). This variant also has been reported in an individual affected with pancreatic cancer (PMID: 26483394) and in 1 individual older than age 70 years who has never had cancer (FLOSSIES database). This variant has been identified in 100/1613936 chromosomes in the general population by the Genome Aggregation Database (gnomAD). The available evidence is insufficient to determine the role of this variant in disease conclusively. Therefore, this variant is classified as a Variant of Uncertain Significance.

Center for Genomic Medicine, Rigshospitalet, Copenhagen University Hospital
Classification: Uncertain significance. Last evaluated: 2025-03-04. Review status: criteria provided, single submitter. Criteria: ACMG Guidelines, 2015. Collection method: clinical testing. Allele origin: germline.

Labcorp Genetics (formerly Invitae), Labcorp
Classification: Uncertain significance for Familial cancer of breast. Last evaluated: 2025-01-30. Review status: criteria provided, single submitter. Criteria: Invitae Variant Classification Sherloc (09022015). Collection method: clinical testing. Allele origin: germline.
Comment: This sequence change replaces threonine, which is neutral and polar, with serine, which is neutral and polar, at codon 397 of the PALB2 protein (p.Thr397Ser). This variant is present in population databases (rs367578415, gnomAD 0.003%). This missense change has been observed in individual(s) with breast and pancreatic cancer (PMID: 17200668, 26283626, 26483394). ClinVar contains an entry for this variant (Variation ID: 142048). Invitae Evidence Modeling of protein sequence and biophysical properties (such as structural, functional, and spatial information, amino acid conservation, physicochemical variation, residue mobility, and thermodynamic stability) indicates that this missense variant is expected to disrupt PALB2 protein function with a positive predictive value of 80%. Experimental studies have shown that this missense change does not substantially affect PALB2 function (PMID: 31636395). In summary, the available evidence is currently insufficient to determine the role of this variant in disease. Therefore, it has been classified as a Variant of Uncertain Significance.

Department of Pathology and Laboratory Medicine, Sinai Health System
Classification: Uncertain significance for Breast-ovarian cancer, familial, susceptibility to, 5. Last evaluated: 2025-01-03. Review status: criteria provided, single submitter. Criteria: ACMG Guidelines, 2015. Collection method: clinical testing. Allele origin: germline. Affected: yes.

Genomics and Molecular Medicine Service, East Genomic Laboratory Hub, NHS Genomic Medicine Service
Classification: Uncertain significance for Inherited breast cancer and ovarian cancer. Last evaluated: 2024-05-10. Review status: criteria provided, single submitter. Criteria: ACGS Best Practice Guidelines for Variant Classification in Rare Disease 2020. Collection method: clinical testing. Allele origin: germline. Affected: yes.
Comment: BP1

GeneDx
Classification: Uncertain significance. Last evaluated: 2024-01-08. Review status: criteria provided, single submitter. Criteria: GeneDx Variant Classification Process June 2021. Collection method: clinical testing. Allele origin: germline. Affected: yes.
Comment: Not observed at significant frequency in large population cohorts (gnomAD); In silico analysis supports that this missense variant has a deleterious effect on protein structure/function; Published functional studies demonstrate no damaging effect: homology directed repair activity similar to wild-type (PMID: 31636395); Observed in individuals with breast and pancreatic cancer, but also in control populations (PMID: 17200668, 26483394, 26283626, 28779002); This variant is associated with the following publications: (PMID: 26483394, 17200668, 26283626, 29387807, 28779002, 22193777, 31636395)

Ambry Genetics
Classification: Uncertain significance for Hereditary cancer-predisposing syndrome. Last evaluated: 2023-12-20. Review status: criteria provided, single submitter. Criteria: Ambry Variant Classification Scheme 2023. Collection method: clinical testing. Allele origin: germline.
Comment: The p.T397S variant (also known as c.1189A>T), located in coding exon 4 of the PALB2 gene, results from an A to T substitution at nucleotide position 1189. The threonine at codon 397 is replaced by serine, an amino acid with similar properties. This alteration has been reported in breast and pancreatic cancer patients as well as in a cancer-free control (Rahman N et al. Nat. Genet. 2007 Feb;39:165-7; Thompson ER et al. Breast Cancer Res. 2015 Aug;17:111; Hu C et al. Cancer Epidemiol Biomarkers Prev. 2016 Jan;25(1):207-11; Decker B et al. J Med Genet, 2017 11;54:732-741). A functional analysis assessing the impact of missense alterations in the PALB2 chromatin association motif (ChAM) demonstrated that this alteration does not appear to impair or hinder chromatin association (Bleuyard JY et al. Wellcome Open Res. 2017 Nov 14;2:110). This alteration was also found to be functionally normal in a homology-directed DNA repair (HDR) assay (Wiltshire T et al. Genet. Med., 2020 03;22:622-632). This amino acid position is highly conserved in available vertebrate species. In addition, this alteration is predicted to be tolerated by in silico analysis. Since supporting evidence is limited at this time, the clinical significance of this alteration remains unclear.

Women's Health and Genetics/Laboratory Corporation of America, LabCorp
Classification: Uncertain significance. Last evaluated: 2023-12-12. Review status: criteria provided, single submitter. Criteria: LabCorp Variant Classification Summary - May 2015. Collection method: clinical testing. Allele origin: germline.
Comment: Variant summary: PALB2 c.1189A>T (p.Thr397Ser) results in a conservative amino acid change in the encoded protein sequence. Three of five in-silico tools predict a benign effect of the variant on protein function. The variant allele was found at a frequency of 2.3e-05 in 257098 control chromosomes. The available data on variant occurrences in the general population are insufficient to allow any conclusion about variant significance. c.1189A>T has been reported in the literature in individuals affected with breast cancer and pancreatic cancer (e.g. Rahman_2007, Thompson_2015, Hu_2015, Decker_2017) but also in healthy control individuals (e.g. Rahman_2007, Thompson_2015, Decker_2017). These reports do not provide unequivocal conclusions about association of the variant with Hereditary Breast And Ovarian Cancer Syndrome. At least one publication reports experimental evidence evaluating an impact on protein function and found no damaging effect of this variant on homology directed DNA repair versus the WT protein (Wiltshire_2019). The following publications have been ascertained in the context of this evaluation (PMID: 26483394, 17200668, 26283626, 31636395, 28779002). Ten submitters have cited clinical-significance assessments for this variant to ClinVar after 2014. Eight submitters classified the variant as uncertain significance and two classified it as likely benign. Based on the evidence outlined above, the variant was classified as VUS-possibly benign.

Baylor Genetics
Classification: Uncertain significance for Familial cancer of breast. Last evaluated: 2023-10-16. Review status: criteria provided, single submitter. Criteria: ACMG Guidelines, 2015. Collection method: clinical testing. Allele origin: unknown.

Myriad Genetics, Inc.
Classification: Likely benign for Familial cancer of breast. Last evaluated: 2023-03-31. Review status: criteria provided, single submitter. Criteria: Myriad Autosomal Dominant, Autosomal Recessive and X-Linked Classification Criteria (2023). Collection method: clinical testing. Allele origin: unknown.
Comment: This variant is considered likely benign. This variant is strongly associated with less severe personal and family histories of cancer, typical for individuals without pathogenic variants in this gene [PMID: 25085752].

CHEO Genetics Diagnostic Laboratory, Children's Hospital of Eastern Ontario
Classification: Uncertain significance for Breast and/or ovarian cancer. Last evaluated: 2022-08-05. Review status: criteria provided, single submitter. Criteria: ACMG Guidelines, 2015. Collection method: clinical testing. Allele origin: germline.

Genetics and Molecular Pathology, SA Pathology
Classification: Uncertain significance for Familial ovarian cancer. Last evaluated: 2021-03-06. Review status: criteria provided, single submitter. Criteria: ACMG Guidelines, 2015. Collection method: clinical testing. Allele origin: germline. Affected: yes.

Cancer Genetics Laboratory, Peter MacCallum Cancer Centre
Classification: Likely benign for Familial cancer of breast. Last evaluated: 2015-06-01. Review status: criteria provided, single submitter. Criteria: Thompson et al. (Breast Cancer Res. 2015). Collection method: case-control. Allele origin: germline. Affected: yes and no. Observed: 2 variant alleles, 2 heterozygotes.

Counsyl
Classification: Uncertain significance for Familial cancer of breast. Last evaluated: 2017-10-17. Review status: no assertion criteria provided. Collection method: clinical testing. Allele origin: unknown. Not counted in ClinVar's aggregate classification.

Literature cited by the submitters: PubMed 17200668 (cited by 6 submitters); PubMed 26283626 (cited by 7 submitters); PubMed 26483394 (cited by 5 submitters); PubMed 28779002 (cited by 3 submitters); PubMed 31636395 (cited by 6 submitters); PubMed 33471991 (cited by Color Diagnostics, LLC DBA Color Health and Department of Pathology and Laboratory Medicine, Sinai Health System); PubMed 25085752 (cited by Myriad Genetics, Inc.).

NM_024675.4(PALB2):c.1189A>T (p.Thr397Ser)

Gene: PALB2 (partner and localizer of BRCA2; minus strand). Cytogenetic location: 16p12.2.
Variant type: single nucleotide variant.
Coding change: c.1189A>T on transcript NM_024675.4 (MANE Select); coding-DNA position 1189, A replaced by T.
Protein change: p.Thr397Ser; replaces threonine 397 with serine.
Molecular consequence: missense variant.
Genome position (GRCh38, 1-based): chr16:23,635,357, T>A on the plus strand (A>T on the coding strand, the complement: PALB2 is on the minus strand). VCF-style: chr16-23635357-T-A. GRCh37 (hg19) VCF-style: chr16-23646678-T-A.
Other names: p.T397S:ACA>TCA; short protein forms T397S.
Identifiers: ClinVar variation 142048 (VCV000142048.50), dbSNP rs367578415, ClinGen allele CA294249.